The following is an entry in ClinVar:

NM_005051.3(QARS1):c.376-1G>A

Gene: QARS1 (glutaminyl-tRNA synthetase 1; minus strand). Cytogenetic location: 3p21.31.
Variant type: single nucleotide variant.
Coding change: c.376-1G>A on transcript NM_005051.3 (MANE Select); the canonical splice acceptor site of the intron before coding-DNA position 376, G replaced by A.
Molecular consequence: splice acceptor variant.
Genome position (GRCh38, 1-based): chr3:49,103,707, C>T on the plus strand (G>A on the coding strand, the complement: QARS1 is on the minus strand). VCF-style: chr3-49103707-C-T. GRCh37 (hg19) VCF-style: chr3-49141140-C-T.
Other names: c.343-1G>A (NM_001272073.2).
Identifiers: ClinVar variation 1494561 (VCV001494561.8), dbSNP rs2107112006, ClinGen allele CA352719999.
Genomic context (GRCh38, chr3:49,103,707, plus strand): 5'-GTTGAAATGGTAACGTTCCACCAGGAGCTGGGGCCGGTGCCTGTTAATAGCAGCCTCCAC[C>T]TGCAGAAAGCCAAACCATGTGGTTCAGGAAAGCCACCTTTAGAGATATTCTGGGAACCCA-3'

ClinVar aggregate classification (germline): Likely pathogenic (1 of 4 stars; one submission).

Conditions:
Diffuse cerebral and cerebellar atrophy - intractable seizures - progressive microcephaly syndrome. Also called: Microcephaly, progressive, with seizures and cerebral and cerebellar atrophy. Identifiers: Orphanet 404437, MedGen C4014239, MONDO:0014335, OMIM 615760.

Submission:

Labcorp Genetics (formerly Invitae), Labcorp
Classification: Likely pathogenic for Diffuse cerebral and cerebellar atrophy - intractable seizures - progressive microcephaly syndrome. Last evaluated: 2024-10-23. Review status: criteria provided, single submitter. Criteria: Invitae Variant Classification Sherloc (09022015). Collection method: clinical testing. Allele origin: germline.
Comment: This sequence change affects an acceptor splice site in intron 3 of the QARS gene. It is expected to disrupt RNA splicing. Variants that disrupt the donor or acceptor splice site typically lead to a loss of protein function (PMID: 16199547), and loss-of-function variants in QARS are known to be pathogenic (PMID: 24656866, 25471517). This variant is not present in population databases (gnomAD no frequency). This variant has not been reported in the literature in individuals affected with QARS-related conditions. ClinVar contains an entry for this variant (Variation ID: 1494561). Algorithms developed to predict the effect of sequence changes on RNA splicing suggest that this variant may disrupt the consensus splice site. In summary, the currently available evidence indicates that the variant is pathogenic, but additional data are needed to prove that conclusively. Therefore, this variant has been classified as Likely Pathogenic.

Literature cited by the submitters: PubMed 16199547; PubMed 24656866; PubMed 25471517.